The following is an entry in ClinVar:

NM_001042492.3(NF1):c.4202G>C (p.Ser1401Thr)

Gene: NF1 (neurofibromin 1; plus strand). Cytogenetic location: 17q11.2.
Variant type: single nucleotide variant.
Coding change: c.4202G>C on transcript NM_001042492.3 (MANE Select); coding-DNA position 4202, G replaced by C.
Protein change: p.Ser1401Thr; replaces serine 1401 with threonine.
Molecular consequence: missense variant.
Genome position (GRCh38, 1-based): chr17:31,258,372, G>C. VCF-style: chr17-31258372-G-C. GRCh37 (hg19) VCF-style: chr17-29585390-G-C.
Other names: c.4139G>C, p.Ser1380Thr (NM_000267.4); short protein forms S1401T, S1380T.
Identifiers: ClinVar variation 404425 (VCV000404425.6), dbSNP rs1060500249, ClinGen allele CA16615508.
Genomic context (GRCh38, chr17:31,258,372, plus strand): 5'-CTTATACTCAATTCTCAACTCCTTGTTTTTAGGTGGTTAGCCAGCGTTTCCCTCAGAACA[G>C]CATCGGTGCAGTAGGAAGTGCCATGTTCCTCAGATTTATCAATCCTGCCATTGTCTCACC-3'
Protein context (NP_001035957.1, residues 1391-1411): SVVSQRFPQN[Ser1401Thr]IGAVGSAMFL

ClinVar aggregate classification (germline): Uncertain significance. Review status: criteria provided, multiple submitters, no conflicts (2 of 4 stars). 2 submissions from 2 submitters: Uncertain significance (2). Last evaluated 2023-06-03.

Conditions:
Hereditary cancer-predisposing syndrome. Also called: Tumor predisposition; Neoplastic Syndromes, Hereditary; Hereditary Cancer Syndrome; Hereditary neoplastic syndrome. Identifiers: Orphanet 140162, MedGen C0027672, MeSH D009386, MONDO:0015356.
Cardiovascular phenotype. Identifiers: MedGen CN230736.
Neurofibromatosis, type 1 (NF1). Also called: Neurofibromatosis, type I; NEUROFIBROMATOSIS, TYPE I, SOMATIC; Peripheral type neurofibromatosis; VON RECKLINGHAUSEN DISEASE. Identifiers: Orphanet 636, MedGen C0027831, MONDO:0018975, OMIM 162200. Disease mechanism: loss of function.

Submissions (2):

Ambry Genetics
Classification: Uncertain significance for Cardiovascular phenotype; Hereditary cancer-predisposing syndrome. Last evaluated: 2023-06-03. Review status: criteria provided, single submitter. Criteria: Ambry Variant Classification Scheme 2023. Collection method: clinical testing. Allele origin: germline.
Comment: The p.S1380T variant (also known as c.4139G>C), located in coding exon 31 of the NF1 gene, results from a G to C substitution at nucleotide position 4139. The serine at codon 1380 is replaced by threonine, an amino acid with similar properties. This amino acid position is conserved. In addition, the in silico prediction for this alteration is inconclusive. Since supporting evidence is limited at this time, the clinical significance of this alteration remains unclear.

Labcorp Genetics (formerly Invitae), Labcorp
Classification: Uncertain significance for Neurofibromatosis, type 1. Last evaluated: 2023-03-17. Review status: criteria provided, single submitter. Criteria: Invitae Variant Classification Sherloc (09022015). Collection method: clinical testing. Allele origin: germline.
Comment: In summary, the available evidence is currently insufficient to determine the role of this variant in disease. Therefore, it has been classified as a Variant of Uncertain Significance. Advanced modeling of protein sequence and biophysical properties (such as structural, functional, and spatial information, amino acid conservation, physicochemical variation, residue mobility, and thermodynamic stability) has been performed at Invitae for this missense variant, however the output from this modeling did not meet the statistical confidence thresholds required to predict the impact of this variant on NF1 protein function. ClinVar contains an entry for this variant (Variation ID: 404425). This variant has not been reported in the literature in individuals affected with NF1-related conditions. This variant is not present in population databases (gnomAD no frequency). This sequence change replaces serine, which is neutral and polar, with threonine, which is neutral and polar, at codon 1380 of the NF1 protein (p.Ser1380Thr).